The following is an entry in ClinVar:

NM_000186.4(CFH):c.642T>A (p.Asp214Glu)

Gene: CFH (complement factor H; plus strand). Cytogenetic location: 1q31.3.
Variant type: single nucleotide variant.
Coding change: c.642T>A on transcript NM_000186.4 (MANE Select); coding-DNA position 642, T replaced by A.
Protein change: p.Asp214Glu; replaces aspartic acid 214 with glutamic acid.
Molecular consequence: missense variant.
Genome position (GRCh38, 1-based): chr1:196,679,645, T>A. VCF-style: chr1-196679645-T-A. GRCh37 (hg19) VCF-style: chr1-196648775-T-A.
Other names: c.642T>A, p.Asp214Glu (NM_001014975.3); short protein forms D214E.
Identifiers: ClinVar variation 2717669 (VCV002717669.3), dbSNP rs775212665, ClinGen allele CA343977705.

ClinVar aggregate classification (germline): Uncertain significance (1 of 4 stars; one submission).

Submission:

Labcorp Genetics (formerly Invitae), Labcorp
Classification: Uncertain significance. Last evaluated: 2023-06-16. Review status: criteria provided, single submitter. Criteria: Invitae Variant Classification Sherloc (09022015). Collection method: clinical testing. Allele origin: germline.
Comment: In summary, the available evidence is currently insufficient to determine the role of this variant in disease. Therefore, it has been classified as a Variant of Uncertain Significance. This sequence change replaces aspartic acid, which is acidic and polar, with glutamic acid, which is acidic and polar, at codon 214 of the CFH protein (p.Asp214Glu). This variant is not present in population databases (gnomAD no frequency). This variant has not been reported in the literature in individuals affected with CFH-related conditions. Algorithms developed to predict the effect of missense changes on protein structure and function output the following: SIFT: "Not Available"; PolyPhen-2: "Benign"; Align-GVGD: "Not Available". The glutamic acid amino acid residue is found in multiple mammalian species, which suggests that this missense change does not adversely affect protein function.